The following is an entry in ClinVar:

NM_002155.5(HSPA6):c.648T>C (p.Ala216=)

Gene: HSPA6 (heat shock protein family A (Hsp70) member 6; plus strand). Cytogenetic location: 1q23.3.
Variant type: single nucleotide variant.
Coding change: c.648T>C on transcript NM_002155.5 (MANE Select); coding-DNA position 648, T replaced by C.
Protein change: p.Ala216=; no amino-acid change (alanine 216 retained).
Molecular consequence: synonymous variant.
Genome position (GRCh38, 1-based): chr1:161,525,306, T>C. VCF-style: chr1-161525306-T-C. GRCh37 (hg19) VCF-style: chr1-161495096-T-C.
Identifiers: ClinVar variation 2639513 (VCV002639513.24), dbSNP rs749781695, ClinGen allele CA1210997.

ClinVar aggregate classification (germline): Likely benign (1 of 4 stars; one submission).

Allele frequency attached by ClinVar (database versions not stated): ExAC 0.00078; gnomAD 0.00087.

Submission:

CeGaT Center for Human Genetics Tuebingen
Classification: Likely benign. Last evaluated: 2022-12-01. Review status: criteria provided, single submitter. Criteria: CeGaT Center For Human Genetics Tuebingen Variant Classification Criteria Version 2. Collection method: clinical testing. Allele origin: germline. Affected: yes. Observed: 1 variant allele.
Comment: HSPA6: BP4, BP7, BS2